The following is an entry in ClinVar:

NM_001042492.3(NF1):c.7844T>G (p.Ile2615Ser)

Gene: NF1 (neurofibromin 1; plus strand). Cytogenetic location: 17q11.2.
Variant type: single nucleotide variant.
Coding change: c.7844T>G on transcript NM_001042492.3 (MANE Select); coding-DNA position 7844, T replaced by G.
Protein change: p.Ile2615Ser; replaces isoleucine 2615 with serine.
Molecular consequence: missense variant.
Genome position (GRCh38, 1-based): chr17:31,357,065, T>G. VCF-style: chr17-31357065-T-G. GRCh37 (hg19) VCF-style: chr17-29684083-T-G.
Other names: c.7781T>G, p.Ile2594Ser (NM_000267.4); short protein forms I2594S, I2615S.
Identifiers: ClinVar variation 2007800 (VCV002007800.4), dbSNP rs1555536711, ClinGen allele CA399018646.

ClinVar aggregate classification (germline): Uncertain significance (1 of 4 stars; one submission).

Conditions:
Neurofibromatosis, type 1 (NF1). Also called: Neurofibromatosis, type I; Peripheral type neurofibromatosis; VON RECKLINGHAUSEN DISEASE; NEUROFIBROMATOSIS, TYPE I, SOMATIC. Identifiers: Orphanet 636, MedGen C0027831, MONDO:0018975, OMIM 162200. Disease mechanism: loss of function.

Submission:

Labcorp Genetics (formerly Invitae), Labcorp
Classification: Uncertain significance for Neurofibromatosis, type 1. Last evaluated: 2022-06-18. Review status: criteria provided, single submitter. Criteria: Invitae Variant Classification Sherloc (09022015). Collection method: clinical testing. Allele origin: germline.
Comment: In summary, the available evidence is currently insufficient to determine the role of this variant in disease. Therefore, it has been classified as a Variant of Uncertain Significance. Advanced modeling of protein sequence and biophysical properties (such as structural, functional, and spatial information, amino acid conservation, physicochemical variation, residue mobility, and thermodynamic stability) performed at Invitae indicates that this missense variant is not expected to disrupt NF1 protein function. This variant has not been reported in the literature in individuals affected with NF1-related conditions. This variant is not present in population databases (gnomAD no frequency). This sequence change replaces isoleucine, which is neutral and non-polar, with serine, which is neutral and polar, at codon 2594 of the NF1 protein (p.Ile2594Ser).